The following is an entry in ClinVar:

ClinVar aggregate classification (germline): Likely benign (1 of 4 stars; one submission).

Conditions:
PEX11B-related disorder. Also called: PEX11B-related condition.

gnomAD v4.1: 12 of 1,541,144 alleles (0.00078%); highest among the groups gnomAD compares: African/African-American, 0.0083%; no homozygotes.

Submission:

PreventionGenetics, part of Exact Sciences
Classification: Likely benign for PEX11B-related condition. Last evaluated: 2025-09-05. Review status: criteria provided, single submitter. Criteria: ACMG Guidelines, 2015. Collection method: clinical testing. Allele origin: germline.
Comment: This variant is classified as likely benign based on ACMG/AMP sequence variant interpretation guidelines (Richards et al. 2015 PMID: 25741868, with internal and published modifications).

NM_003846.3(PEX11B):c.-8C>T

Gene: PEX11B (peroxisomal biogenesis factor 11 beta; minus strand). Cytogenetic location: 1q21.1.
Variant type: single nucleotide variant.
Coding change: c.-8C>T on transcript NM_003846.3 (MANE Select); 8 bases upstream of the start codon, C replaced by T.
Molecular consequence: 5 prime UTR variant. On other transcripts: non-coding transcript variant (2).
Genome position (GRCh38, 1-based): chr1:145,918,696, G>A on the plus strand (C>T on the coding strand, the complement: PEX11B is on the minus strand). VCF-style: chr1-145918696-G-A. GRCh37 (hg19) VCF-style: chr1-145516393-C-T.
Identifiers: ClinVar variation 4987955 (VCV004987955.1).